The following is an entry in ClinVar:

ClinVar aggregate classification (germline): Likely benign. Review status: criteria provided, multiple submitters, no conflicts (2 of 4 stars). 2 submissions from 2 submitters: Likely benign (2). Last evaluated 2024-06-17.

Conditions:
RYR1-related disorder. Also called: RYR1-related condition; RYR1-related disorders. Identifiers: MedGen CN239331.
Malignant hyperthermia, susceptibility to, 1 (MHS1). Also called: RYR1-Related Malignant Hyperthermia Susceptibility; Malignant hyperthermia suceptibility 1; Anesthesia related hyperthermia; Malignant hyperpyrexia; Fulminating hyperpyrexia; Pharmacogenic myopathy. Identifiers: Orphanet 423, MedGen C2930980, MONDO:0007783, OMIM 145600.

Allele frequency attached by ClinVar (database versions not stated): gnomAD exomes below 0.00001; TOPMed below 0.00001; gnomAD 0.00001.
gnomAD v4.1: 3 of 1,613,702 alleles (0.00019%); highest among the groups gnomAD compares: Non-Finnish European, 0.00025%; no homozygotes.

Submissions (2):

All of Us Research Program, National Institutes of Health
Classification: Likely benign for Malignant hyperthermia, susceptibility to, 1. Last evaluated: 2024-06-17. Review status: criteria provided, single submitter. Criteria: ACMG Guidelines, 2015. Collection method: clinical testing. Allele origin: germline. Inheritance: Autosomal dominant inheritance. Observed: 1 variant allele, 1 heterozygote.
Comment: This study involves interpretation of variants in research participants for the purpose of population health screening. Participant phenotype was not available at the time of variant classification. Additional details can be found in publication PMID: 35346344, PMCID: PMC8962531

Labcorp Genetics (formerly Invitae), Labcorp
Classification: Likely benign for RYR1-related disorder. Last evaluated: 2022-08-22. Review status: criteria provided, single submitter. Criteria: Invitae Variant Classification Sherloc (09022015). Collection method: clinical testing. Allele origin: germline.

NM_000540.3(RYR1):c.2151A>G (p.Gly717=)

Gene: RYR1 (ryanodine receptor 1; plus strand). Cytogenetic location: 19q13.2.
Variant type: single nucleotide variant.
Coding change: c.2151A>G on transcript NM_000540.3 (MANE Select); coding-DNA position 2151, A replaced by G.
Protein change: p.Gly717=; no amino-acid change (glycine 717 retained).
Molecular consequence: synonymous variant.
Genome position (GRCh38, 1-based): chr19:38,458,276, A>G. VCF-style: chr19-38458276-A-G. GRCh37 (hg19) VCF-style: chr19-38948916-A-G.
Other names: c.2151A>G, p.Gly717= (NM_001042723.2).
Identifiers: ClinVar variation 1133248 (VCV001133248.10), dbSNP rs1366028042, ClinGen allele CA507243967.